The following is an entry in ClinVar:

ClinVar aggregate classification (germline): Pathogenic. Review status: criteria provided, multiple submitters, no conflicts (2 of 4 stars). 3 submissions from 3 submitters: Pathogenic (3). Last evaluated 2026-03-09.

Conditions:
Hereditary cancer-predisposing syndrome. Also called: Neoplastic Syndromes, Hereditary; Tumor predisposition; Hereditary Cancer Syndrome; Hereditary neoplastic syndrome. Identifiers: Orphanet 140162, MedGen C0027672, MeSH D009386, MONDO:0015356.
Familial cancer of breast. Also called: BREAST CANCER, FAMILIAL; Hereditary breast cancer; hereditary breast carcinoma. Identifiers: Orphanet 227535, MedGen C0346153, MONDO:0016419, OMIM 114480. Disease mechanism: loss of function.

Submissions (3):

Ambry Genetics
Classification: Pathogenic for Hereditary cancer-predisposing syndrome. Last evaluated: 2026-03-09. Review status: criteria provided, single submitter. Criteria: Ambry Variant Classification Scheme 2023. Collection method: clinical testing. Allele origin: germline.
Comment: The p.R327* pathogenic mutation (also known as c.979A>T), located in coding exon 4 of the BARD1 gene, results from an A to T substitution at nucleotide position 979. This changes the amino acid from an arginine to a stop codon within coding exon 4. This variant is considered to be rare based on population cohorts in the Genome Aggregation Database (gnomAD). This variant is expected to result in loss of function by premature protein truncation or nonsense-mediated mRNA decay. As such, this variant is interpreted as a disease-causing mutation.

Myriad Genetics, Inc.
Classification: Pathogenic for Familial cancer of breast. Last evaluated: 2025-12-22. Review status: criteria provided, single submitter. Criteria: Myriad Autosomal Dominant, Autosomal Recessive and X-Linked Classification Criteria (2023). Collection method: clinical testing. Allele origin: unknown.
Comment: This variant is considered pathogenic. This variant creates a termination codon and is predicted to result in premature protein truncation.

Labcorp Genetics (formerly Invitae), Labcorp
Classification: Pathogenic for Familial cancer of breast. Last evaluated: 2020-12-06. Review status: criteria provided, single submitter. Criteria: Invitae Variant Classification Sherloc (09022015). Collection method: clinical testing. Allele origin: germline.
Comment: For these reasons, this variant has been classified as Pathogenic. This variant has not been reported in the literature in individuals with BARD1-related conditions. This variant is not present in population databases (ExAC no frequency). This sequence change creates a premature translational stop signal (p.Arg327*) in the BARD1 gene. It is expected to result in an absent or disrupted protein product. Loss-of-function variants in BARD1 are known to be pathogenic (PMID: 20077502, 21344236).

Literature cited by the submitters: PubMed 20077502 (cited by Labcorp Genetics (formerly Invitae), Labcorp); PubMed 21344236 (cited by Labcorp Genetics (formerly Invitae), Labcorp).

NM_000465.4(BARD1):c.979A>T (p.Arg327Ter)

Gene: BARD1 (BRCA1 associated RING domain 1; minus strand). Cytogenetic location: 2q35.
Variant type: single nucleotide variant.
Coding change: c.979A>T on transcript NM_000465.4 (MANE Select); coding-DNA position 979, A replaced by T.
Protein change: p.Arg327Ter; replaces arginine 327 with a stop codon.
Molecular consequence: nonsense. On other transcripts: non-coding transcript variant (2), intron variant (3).
Genome position (GRCh38, 1-based): chr2:214,780,895, T>A on the plus strand (A>T on the coding strand, the complement: BARD1 is on the minus strand). VCF-style: chr2-214780895-T-A. GRCh37 (hg19) VCF-style: chr2-215645619-T-A.
Other names: c.922A>T, p.Arg308Ter (NM_001282543.2); c.159-28340A>T (NM_001282548.2); c.215+16166A>T (NM_001282545.2); c.364+11402A>T (NM_001282549.2); c.979A>T (NM_000465.2); short protein forms R327*, R308*.
Identifiers: ClinVar variation 1452603 (VCV001452603.9), dbSNP rs1559424358, ClinGen allele CA350454573.